The following is an entry in ClinVar:

NM_001039348.3(EFEMP1):c.631C>G (p.Gln211Glu)

Gene: EFEMP1 (EGF-like fibulin extracellular matrix protein 1; minus strand). Cytogenetic location: 2p16.1.
Variant type: single nucleotide variant.
Coding change: c.631C>G on transcript NM_001039348.3 (MANE Select); coding-DNA position 631, C replaced by G.
Protein change: p.Gln211Glu; replaces glutamine 211 with glutamic acid.
Molecular consequence: missense variant.
Genome position (GRCh38, 1-based): chr2:55,881,621, G>C on the plus strand (C>G on the coding strand, the complement: EFEMP1 is on the minus strand). VCF-style: chr2-55881621-G-C. GRCh37 (hg19) VCF-style: chr2-56108756-G-C.
Other names: c.631C>G, p.Gln211Glu (NM_001039349.3); short protein forms Q211E.
Identifiers: ClinVar variation 1515378 (VCV001515378.8), dbSNP rs2104391891, ClinGen allele CA347029451.

ClinVar aggregate classification (germline): Uncertain significance (1 of 4 stars; one submission).

Submission:

Labcorp Genetics (formerly Invitae), Labcorp
Classification: Uncertain significance. Last evaluated: 2022-10-24. Review status: criteria provided, single submitter. Criteria: Invitae Variant Classification Sherloc (09022015). Collection method: clinical testing. Allele origin: germline.
Comment: This sequence change replaces glutamine, which is neutral and polar, with glutamic acid, which is acidic and polar, at codon 211 of the EFEMP1 protein (p.Gln211Glu). In summary, the available evidence is currently insufficient to determine the role of this variant in disease. Therefore, it has been classified as a Variant of Uncertain Significance. Advanced modeling of protein sequence and biophysical properties (such as structural, functional, and spatial information, amino acid conservation, physicochemical variation, residue mobility, and thermodynamic stability) performed at Invitae indicates that this missense variant is not expected to disrupt EFEMP1 protein function. ClinVar contains an entry for this variant (Variation ID: 1515378). This variant has not been reported in the literature in individuals affected with EFEMP1-related conditions. This variant is not present in population databases (gnomAD no frequency).